The following is an entry in ClinVar:

NM_007315.4(STAT1):c.992G>A (p.Arg331Lys)

Gene: STAT1 (signal transducer and activator of transcription 1; minus strand). Cytogenetic location: 2q32.2.
Variant type: single nucleotide variant.
Coding change: c.992G>A on transcript NM_007315.4 (MANE Select); coding-DNA position 992, G replaced by A.
Protein change: p.Arg331Lys; replaces arginine 331 with lysine.
Molecular consequence: missense variant. On other transcripts: intron variant (1).
Genome position (GRCh38, 1-based): chr2:190,991,273, C>T on the plus strand (G>A on the coding strand, the complement: STAT1 is on the minus strand). VCF-style: chr2-190991273-C-T. GRCh37 (hg19) VCF-style: chr2-191855999-C-T.
Other names: c.992G>A, p.Arg331Lys (NM_001384880.1, NM_001384882.1, NM_001384886.1 and 3 more transcripts); c.998G>A, p.Arg333Lys (NM_001384881.1, NM_001384884.1); c.893G>A, p.Arg298Lys (NM_001384883.1); c.833G>A, p.Arg278Lys (NM_001384885.1); c.902G>A, p.Arg301Lys (NM_001384890.1); c.1028G>A, p.Arg343Lys (NM_001384891.1); c.945-1599G>A (NM_001384887.1); c.992G>A (NM_007315.3); short protein forms R278K, R298K, R331K, R343K, R301K, R333K.
Identifiers: ClinVar variation 1501454 (VCV001501454.12), dbSNP rs533671897, ClinGen allele CA2030101.

ClinVar aggregate classification (germline): Uncertain significance. Review status: criteria provided, multiple submitters, no conflicts (2 of 4 stars). 4 submissions from 4 submitters: Uncertain significance (4). Last evaluated 2024-09-08.

Conditions:
Mendelian susceptibility to mycobacterial diseases due to partial STAT1 deficiency. Also called: Immunodeficiency 31a; IMMUNODEFICIENCY 31A, MYCOBACTERIOSIS, AUTOSOMAL DOMINANT; STAT1 DEFICIENCY, AUTOSOMAL DOMINANT. Identifiers: Orphanet 319595, MedGen C4013950, MONDO:0013956, OMIM 614892.
Immunodeficiency 31B. Also called: STAT1 DEFICIENCY, AUTOSOMAL RECESSIVE; IMMUNODEFICIENCY 31B, MYCOBACTERIAL AND VIRAL INFECTIONS, AUTOSOMAL RECESSIVE. Identifiers: Orphanet 391311, MedGen C3151088, MONDO:0013427, OMIM 613796.
Autoimmune enteropathy and endocrinopathy - susceptibility to chronic infections syndrome. Also called: Immunodeficiency 31C; Immunodeficiency 31C, autosomal dominant. Identifiers: Orphanet 391487, MedGen C3279990, MONDO:0013599, OMIM 614162.
Inborn genetic diseases. Identifiers: MedGen C0950123, MeSH D030342.

Allele frequency attached by ClinVar (database versions not stated): gnomAD 0.00001; gnomAD exomes 0.00001 and 0.00004; ExAC 0.00005; 1000 Genomes Project 30x 0.00016; 1000 Genomes Project 0.00020.
gnomAD v4.1: 21 of 1,614,108 alleles (0.0013%); highest among the groups gnomAD compares: South Asian, 0.021%; no homozygotes.

Submissions (4):

Ambry Genetics
Classification: Uncertain significance for Inborn genetic diseases. Last evaluated: 2024-09-08. Review status: criteria provided, single submitter. Criteria: Ambry Variant Classification Scheme 2023. Collection method: clinical testing. Allele origin: germline.

Labcorp Genetics (formerly Invitae), Labcorp
Classification: Uncertain significance for Mendelian susceptibility to mycobacterial diseases due to partial STAT1 deficiency; Immunodeficiency 31B; Autoimmune enteropathy and endocrinopathy - susceptibility to chronic infections syndrome. Last evaluated: 2024-04-25. Review status: criteria provided, single submitter. Criteria: Invitae Variant Classification Sherloc (09022015). Collection method: clinical testing. Allele origin: germline.
Comment: This sequence change replaces arginine, which is basic and polar, with lysine, which is basic and polar, at codon 331 of the STAT1 protein (p.Arg331Lys). This variant is present in population databases (rs533671897, gnomAD 0.03%). This variant has not been reported in the literature in individuals affected with STAT1-related conditions. ClinVar contains an entry for this variant (Variation ID: 1501454). An algorithm developed to predict the effect of missense changes on protein structure and function (PolyPhen-2) suggests that this variant is likely to be disruptive. In summary, the available evidence is currently insufficient to determine the role of this variant in disease. Therefore, it has been classified as a Variant of Uncertain Significance.

Blueprint Genetics
Classification: Uncertain significance. Last evaluated: 2023-07-06. Review status: criteria provided, single submitter. Criteria: ACMG Guidelines, 2015. Collection method: clinical testing. Allele origin: germline.

Revvity Omics, Revvity
Classification: Uncertain significance. Last evaluated: 2020-07-25. Review status: criteria provided, single submitter. Criteria: ACMG Guidelines, 2015. Collection method: clinical testing. Allele origin: germline.